The following is an entry in ClinVar:

NM_001374736.1(DST):c.14501C>A (p.Ser4834Tyr)

Gene: DST (dystonin; minus strand). Cytogenetic location: 6p12.1.
Variant type: single nucleotide variant.
Coding change: c.14501C>A on transcript NM_001374736.1 (MANE Select); coding-DNA position 14501, C replaced by A.
Protein change: p.Ser4834Tyr; replaces serine 4834 with tyrosine.
Molecular consequence: missense variant.
Genome position (GRCh38, 1-based): chr6:56,557,458, G>T on the plus strand (C>A on the coding strand, the complement: DST is on the minus strand). VCF-style: chr6-56557458-G-T. GRCh37 (hg19) VCF-style: chr6-56422256-G-T.
Other names: c.8144C>A, p.Ser2715Tyr (NM_001144769.5); c.7730C>A, p.Ser2577Tyr (NM_001144770.2); c.14501C>A, p.Ser4834Tyr (NM_001374722.1); c.13868C>A, p.Ser4623Tyr (NM_001374729.1); c.7610C>A, p.Ser2537Tyr (NM_001374730.1, NM_183380.4); c.14528C>A, p.Ser4843Tyr (NM_001374734.1); c.6632C>A, p.Ser2211Tyr (NM_015548.5); short protein forms S2537Y, S4843Y, S2715Y, S4623Y, S4834Y, S2577Y, S2211Y.
Identifiers: ClinVar variation 972488 (VCV000972488.10), dbSNP rs1290750029, ClinGen allele CA364521333.

ClinVar aggregate classification (germline): Uncertain significance. Review status: criteria provided, multiple submitters, no conflicts (2 of 4 stars). 2 submissions from 2 submitters: Uncertain significance (2). Last evaluated 2020-09-08.

Conditions:
Inborn genetic diseases. Identifiers: MedGen C0950123, MeSH D030342.
Epidermolysis bullosa simplex 3, localized or generalized intermediate, with BP230 deficiency (EBS3). Also called: Epidermolysis bullosa simplex due to BP230 deficiency; Epidermolysis bullosa simplex, autosomal recessive 2. Identifiers: Orphanet 412181, MedGen C3809470, MONDO:0014180, OMIM 615425.
Hereditary sensory and autonomic neuropathy type 6. Also called: Neuropathy, hereditary sensory and autonomic, type VI; HSAN VI. Identifiers: Orphanet 314381, MedGen C3539003, MONDO:0013839, OMIM 614653.

Allele frequency attached by ClinVar (database versions not stated): gnomAD exomes below 0.00001.

Submissions (2):

Ambry Genetics
Classification: Uncertain significance for Inborn genetic diseases. Last evaluated: 2020-09-08. Review status: criteria provided, single submitter. Criteria: Ambry Variant Classification Scheme 2023. Collection method: clinical testing. Allele origin: germline.
Comment: The p.S2715Y variant (also known as c.8144C>A), located in coding exon 53 of the DST gene, results from a C to A substitution at nucleotide position 8144. The serine at codon 2715 is replaced by tyrosine, an amino acid with dissimilar properties. This amino acid position is highly conserved in available vertebrate species. In addition, the in silico prediction for this alteration is inconclusive. Since supporting evidence is limited at this time, the clinical significance of this alteration remains unclear.

Labcorp Genetics (formerly Invitae), Labcorp
Classification: Uncertain significance for Epidermolysis bullosa simplex 3, localized or generalized intermediate, with BP230 deficiency; Hereditary sensory and autonomic neuropathy type 6. Last evaluated: 2019-03-27. Review status: criteria provided, single submitter. Criteria: Invitae Variant Classification Sherloc (09022015). Collection method: clinical testing. Allele origin: germline.
Comment: In summary, the available evidence is currently insufficient to determine the role of this variant in disease. Therefore, it has been classified as a Variant of Uncertain Significance. Algorithms developed to predict the effect of missense changes on protein structure and function are either unavailable or do not agree on the potential impact of this missense change (SIFT: "Tolerated"; PolyPhen-2: "Not Available"; Align-GVGD: "Class C0"). This variant has not been reported in the literature in individuals with DST-related conditions. This variant is not present in population databases (ExAC no frequency). This sequence change replaces serine with tyrosine at codon 2211 of the DST protein (p.Ser2211Tyr). The serine residue is highly conserved and there is a large physicochemical difference between serine and tyrosine. The DST gene has multiple clinically relevant transcripts. The p.Ser2211Tyr variant occurs in alternate transcript NM_015548.4, which corresponds to c.*58059C>A in NM_001723.5, the primary transcript listed in the Methods.